The following is an entry in ClinVar:

ClinVar aggregate classification (germline): Uncertain significance (1 of 4 stars; one submission).

Conditions:
Neurofibromatosis, type 1 (NF1). Also called: Peripheral type neurofibromatosis; VON RECKLINGHAUSEN DISEASE; Neurofibromatosis, type I; NEUROFIBROMATOSIS, TYPE I, SOMATIC. Identifiers: Orphanet 636, MedGen C0027831, MONDO:0018975, OMIM 162200. Disease mechanism: loss of function.

Allele frequency attached by ClinVar (database versions not stated): gnomAD exomes below 0.00001.
gnomAD v4.1: 2 of 1,614,114 alleles (0.00012%); highest among the groups gnomAD compares: African/African-American, 0.0013%; no homozygotes.

Submission:

Labcorp Genetics (formerly Invitae), Labcorp
Classification: Uncertain significance for Neurofibromatosis, type 1. Last evaluated: 2023-04-13. Review status: criteria provided, single submitter. Criteria: Invitae Variant Classification Sherloc (09022015). Collection method: clinical testing. Allele origin: germline.
Comment: This sequence change replaces glutamine, which is neutral and polar, with histidine, which is basic and polar, at codon 2492 of the NF1 protein (p.Gln2492His). This variant is not present in population databases (gnomAD no frequency). This variant has not been reported in the literature in individuals affected with NF1-related conditions. ClinVar contains an entry for this variant (Variation ID: 845285). Advanced modeling of protein sequence and biophysical properties (such as structural, functional, and spatial information, amino acid conservation, physicochemical variation, residue mobility, and thermodynamic stability) performed at Invitae indicates that this missense variant is not expected to disrupt NF1 protein function. In summary, the available evidence is currently insufficient to determine the role of this variant in disease. Therefore, it has been classified as a Variant of Uncertain Significance.

NM_001042492.3(NF1):c.7539G>C (p.Gln2513His)

Gene: NF1 (neurofibromin 1; plus strand). Cytogenetic location: 17q11.2.
Variant type: single nucleotide variant.
Coding change: c.7539G>C on transcript NM_001042492.3 (MANE Select); coding-DNA position 7539, G replaced by C.
Protein change: p.Gln2513His; replaces glutamine 2513 with histidine.
Molecular consequence: missense variant.
Genome position (GRCh38, 1-based): chr17:31,352,338, G>C. VCF-style: chr17-31352338-G-C. GRCh37 (hg19) VCF-style: chr17-29679356-G-C.
Other names: c.7476G>C, p.Gln2492His (NM_000267.4); short protein forms Q2492H, Q2513H.
Identifiers: ClinVar variation 845285 (VCV000845285.6), dbSNP rs2070170345, ClinGen allele CA399017625.